The following is an entry in ClinVar:

ClinVar aggregate classification (germline): Conflicting classifications of pathogenicity. Review status: criteria provided, conflicting classifications (1 of 4 stars). 3 submissions from 3 submitters: Likely pathogenic (1); Uncertain significance (1). 1 of the submissions does not count toward it. Last evaluated 2025-11-17.

Conditions:
Fumarase deficiency (FMRD). Also called: Fumaric aciduria; Fumarate Hydratase Deficiency. Identifiers: Orphanet 24, MedGen C0342770, MONDO:0011730, OMIM 606812.
Hereditary cancer-predisposing syndrome. Also called: Neoplastic Syndromes, Hereditary; Hereditary Cancer Syndrome; Hereditary neoplastic syndrome; Tumor predisposition. Identifiers: Orphanet 140162, MedGen C0027672, MeSH D009386, MONDO:0015356.

Allele frequency attached by ClinVar (database versions not stated): TOPMed 0.00001; ExAC 0.00007.

Submissions (3):

Ambry Genetics
Classification: Uncertain significance for Hereditary cancer-predisposing syndrome. Last evaluated: 2025-11-17. Review status: criteria provided, single submitter. Criteria: Ambry Variant Classification Scheme 2023. Collection method: clinical testing. Allele origin: germline.
Comment: The p.M1? variant (also known as c.1A>T), located in coding exon 1 of the FH gene, results from a A to T substitution at nucleotide position 1. This alters the methionine residue at the initiation codon. Variations that modify the initiation codon (ATG) are expected to result in either loss of translation initiation, N-terminal truncation, or cause a shift in the mRNA reading frame; however, there is an alternate in-frame methionine 44 amino acids from the initiation site. Proteins initiated from the first methionine are targeted to the mitochondrion while proteins initiated from the second methionine are targeted to the cytoplasm due to the lack of the mitochondrial targeting sequence encoded between them (Dik E et al. Traffic, 2016 Jul;17:720-32, Magrane M et al., Database (Oxford) 2011; bar009). Data suggest that it is the cytoplasmic protein that conveys the tumor suppressor function of FH (Yogev O et al. PLoS Biol., 2010 Mar;8:e1000328). This amino acid position is highly conserved in available vertebrate species. Based on the available evidence, the clinical significance of this variant remains unclear.

Labcorp Genetics (formerly Invitae), Labcorp
Classification: Likely pathogenic. Last evaluated: 2024-06-05. Review status: criteria provided, single submitter. Criteria: Invitae Variant Classification Sherloc (09022015). Collection method: clinical testing. Allele origin: germline.
Comment: This sequence change affects the initiator methionine of the FH mRNA. The next in-frame methionine is located at codon 44. FH has two initiator codons, p.Met1 and p.Met44, which result in two different functional isoforms that localize to the mitochondria and cytosol, respectively (PMID: 21929734, 27037871). Loss-of-function variants in FH are known to be pathogenic (PMID: 11865300, 21398687). Variants affecting the mitochondrial isoform confer risk for fumarate hydratase deficiency, while variants that affect the cytosolic isoform confer risk for FH tumor predisposition syndrome. The frequency data for this variant in the population databases is considered unreliable, as metrics indicate poor data quality at this position in the gnomAD database. This variant has not been reported in the literature in individuals affected with FH-related conditions. ClinVar contains an entry for this variant (Variation ID: 641546). This variant disrupts the mitochondria-targeting sequence (MTS) of the FH protein, which is important for protein import into the mitochondria (PMID: 27037871). This suggests that disruption of this region is causative of fumarate hydratase deficiency. In summary, the currently available evidence indicates that the variant is pathogenic, but additional data are needed to prove that conclusively. Therefore, this variant has been classified as Likely Pathogenic for autosomal recessive fumarate hydratase deficiency. However, this variant is not likely to confer risk for autosomal dominant FH tumor predisposition syndrome.

Natera, Inc.
Classification: Likely pathogenic for Fumarase Deficiency. Last evaluated: 2021-06-10. Review status: no assertion criteria provided. Collection method: clinical testing. Allele origin: germline. Not counted in ClinVar's aggregate classification.

Literature cited by the submitters: PubMed 21929734 (cited by Ambry Genetics and Labcorp Genetics (formerly Invitae), Labcorp); PubMed 27037871 (cited by Ambry Genetics and Labcorp Genetics (formerly Invitae), Labcorp); PubMed 11865300 (cited by Labcorp Genetics (formerly Invitae), Labcorp); PubMed 21398687 (cited by Labcorp Genetics (formerly Invitae), Labcorp).

NM_000143.4(FH):c.1A>T (p.Met1Leu)

Gene: FH (fumarate hydratase; minus strand). Cytogenetic location: 1q43.
Variant type: single nucleotide variant.
Coding change: c.1A>T on transcript NM_000143.4 (MANE Select); coding-DNA position 1, A replaced by T.
Protein change: p.Met1Leu; changes the start codon (methionine 1).
Molecular consequence: missense variant, initiator codon variant.
Genome position (GRCh38, 1-based): chr1:241,519,722, T>A on the plus strand (A>T on the coding strand, the complement: FH is on the minus strand). VCF-style: chr1-241519722-T-A. GRCh37 (hg19) VCF-style: chr1-241683022-T-A.
Other names: short protein forms M1L.
Identifiers: ClinVar variation 641546 (VCV000641546.16), dbSNP rs776806414, ClinGen allele CA1478787.
Genomic context (GRCh38, chr1:241,519,722, plus strand): 5'-CTGCGGCTGGAGCCCGCACGAGGGGACGCGAGCGCGCGAGGAGCCGAAGTGCTCGGTACA[T>A]GGTGCTGAGGGAGCTTGGGTAGAATTTCTGGGCGGCTGTGGCCACGCCTCCACGCCGGTT-3'
Protein context (NP_000134.2, residues 1-11): [Met1Leu]YRALRLLARS